The following is an entry in ClinVar:

ClinVar aggregate classification (germline): Pathogenic (1 of 4 stars; one submission).

Conditions:
Primary ciliary dyskinesia 3. Identifiers: Orphanet 244, MedGen C1837618, MONDO:0012085, OMIM 608644.

Submission:

Myriad Genetics, Inc.
Classification: Pathogenic for Primary ciliary dyskinesia 3. Last evaluated: 2024-05-14. Review status: criteria provided, single submitter. Criteria: Myriad Autosomal Dominant, Autosomal Recessive and X-Linked Classification Criteria (2023). Collection method: clinical testing. Allele origin: unknown.
Comment: NM_001369.2(DNAH5):c.6412_6413ins14(Y2138Cfs*56) is expected to be pathogenic in the context of primary ciliary dyskinesia, DNAH5-related. This variant is predicted to lead to an abnormal or absent protein product due to the creation of a premature termination codon in DNAH5, a gene where loss-of-function variants are known to be pathogenic. Please note: this variant was assessed in the context of healthy population screening.

NM_001369.3(DNAH5):c.6412_6413insGTCTCTTATACACA (p.Tyr2138fs)

Gene: DNAH5 (dynein axonemal heavy chain 5; minus strand). Cytogenetic location: 5p15.2.
Variant type: Insertion.
Coding change: c.6412_6413insGTCTCTTATACACA on transcript NM_001369.3 (MANE Select); coding-DNA positions 6412 to 6413, GTCTCTTATACACA inserted.
Protein change: p.Tyr2138fs; shifts the reading frame from tyrosine 2138.
Molecular consequence: frameshift variant.
Genome position: GRCh38 VCF-style: chr5-13829541-T-TTGTGTATAAGAGAC. GRCh37 (hg19) VCF-style: chr5-13829650-T-TTGTGTATAAGAGAC.
Other names: short protein forms Y2138fs.
Identifiers: ClinVar variation 5011083 (VCV005011083.1).